The following is an entry in ClinVar:

NM_005560.6(LAMA5):c.6079C>G (p.Pro2027Ala)

Gene: LAMA5 (laminin subunit alpha 5; minus strand). Cytogenetic location: 20q13.33.
Variant type: single nucleotide variant.
Coding change: c.6079C>G on transcript NM_005560.6 (MANE Select); coding-DNA position 6079, C replaced by G.
Protein change: p.Pro2027Ala; replaces proline 2027 with alanine.
Molecular consequence: missense variant.
Genome position (GRCh38, 1-based): chr20:62,322,744, G>C on the plus strand (C>G on the coding strand, the complement: LAMA5 is on the minus strand). VCF-style: chr20-62322744-G-C. GRCh37 (hg19) VCF-style: chr20-60897800-G-C.
Other names: c.6079C>G (NM_005560.3, NM_005560.4); short protein forms P2027A.
Identifiers: ClinVar variation 2069559 (VCV002069559.9), dbSNP rs767350618, ClinGen allele CA9941890.

ClinVar aggregate classification (germline): Uncertain significance. Review status: criteria provided, multiple submitters, no conflicts (2 of 4 stars). 3 submissions from 3 submitters: Uncertain significance (3). Last evaluated 2026-03-15.

Conditions:
Inborn genetic diseases. Identifiers: MedGen C0950123, MeSH D030342.
LAMA5-related disorder. Also called: LAMA5-related condition; LAMA5-Related Disorders.

Allele frequency attached by ClinVar (database versions not stated): gnomAD exomes 0.00002; ExAC 0.00012.
gnomAD v4.1: 88 of 1,513,330 alleles (0.0058%); highest among the groups gnomAD compares: African/African-American, 0.094%; no homozygotes.

Submissions (3):

PreventionGenetics, part of Exact Sciences
Classification: Uncertain significance for LAMA5-related condition. Last evaluated: 2026-03-15. Review status: criteria provided, single submitter. Criteria: ACMG Guidelines, 2015. Collection method: clinical testing. Allele origin: germline.
Comment: The LAMA5 c.6079C>G variant is predicted to result in the amino acid substitution p.Pro2027Ala. To our knowledge, this variant has not been reported in the literature. This variant is reported in 0.090% of alleles in individuals of African descent in gnomAD. Although we suspect that this variant may be benign, at this time, the clinical significance of this variant is uncertain due to the absence of conclusive functional and genetic evidence.

Labcorp Genetics (formerly Invitae), Labcorp
Classification: Uncertain significance. Last evaluated: 2025-09-15. Review status: criteria provided, single submitter. Criteria: Invitae Variant Classification Sherloc (09022015). Collection method: clinical testing. Allele origin: germline.
Comment: This sequence change replaces proline, which is neutral and non-polar, with alanine, which is neutral and non-polar, at codon 2027 of the LAMA5 protein (p.Pro2027Ala). This variant is present in population databases (rs767350618, gnomAD 0.1%). This variant has not been reported in the literature in individuals affected with LAMA5-related conditions. ClinVar contains an entry for this variant (Variation ID: 2069559). An algorithm developed to predict the effect of missense changes on protein structure and function (PolyPhen-2) suggests that this variant is likely to be tolerated. In summary, the available evidence is currently insufficient to determine the role of this variant in disease. Therefore, it has been classified as a Variant of Uncertain Significance.

Ambry Genetics
Classification: Uncertain significance for Inborn genetic diseases. Last evaluated: 2025-04-14. Review status: criteria provided, single submitter. Criteria: Ambry Variant Classification Scheme 2023. Collection method: clinical testing. Allele origin: germline.